The following is an entry in ClinVar:

ClinVar aggregate classification (germline): Uncertain significance (1 of 4 stars; one submission).

Conditions:
Inborn genetic diseases. Identifiers: MedGen C0950123, MeSH D030342.

Submission:

Ambry Genetics
Classification: Uncertain significance for Inborn genetic diseases. Last evaluated: 2026-05-06. Review status: criteria provided, single submitter. Criteria: Ambry Variant Classification Scheme 2023. Collection method: clinical testing. Allele origin: germline.
Comment: The p.I6T variant (also known as c.17T>C), located in coding exon 1 of the RUNX1 gene, results from a T to C substitution at nucleotide position 17. The isoleucine at codon 6 is replaced by threonine, an amino acid with similar properties. This amino acid position is not well conserved in available vertebrate species. In addition, the in silico prediction for this alteration is inconclusive. Based on the available evidence, the clinical significance of this variant remains unclear.

NM_001754.5(RUNX1):c.17T>C (p.Ile6Thr)

Gene: RUNX1 (RUNX family transcription factor 1; minus strand). Cytogenetic location: 21q22.12.
Variant type: single nucleotide variant.
Coding change: c.17T>C on transcript NM_001754.5 (MANE Select); coding-DNA position 17, T replaced by C.
Protein change: p.Ile6Thr; replaces isoleucine 6 with threonine.
Molecular consequence: missense variant.
Genome position (GRCh38, 1-based): chr21:35,048,883, A>G on the plus strand (T>C on the coding strand, the complement: RUNX1 is on the minus strand). VCF-style: chr21-35048883-A-G. GRCh37 (hg19) VCF-style: chr21-36421180-A-G.
Other names: short protein forms I6T.
Identifiers: ClinVar variation 4863634 (VCV004863634.1).
Genomic context (GRCh38, chr21:35,048,883, plus strand): 5'-AAGACCAGCATGTACTCACCTCTCATGAAGCACTGTGGGTACGAAGGAAATGACTCAAAT[A>G]TGCTGTCTGAAGCCATCGCTTCCTCCTGAAAATGCACCCTCTTCTGAAGGCGGGGGACTC-3'
Protein context (NP_001745.2, residues 1-16): MASDS[Ile6Thr]FESFPSYPQC